The following is an entry in ClinVar:

ClinVar aggregate classification (germline): Uncertain significance (1 of 4 stars; one submission).

Submission:

Labcorp Genetics (formerly Invitae), Labcorp
Classification: Uncertain significance. Last evaluated: 2025-10-11. Review status: criteria provided, single submitter. Criteria: Invitae Variant Classification Sherloc (09022015). Collection method: clinical testing. Allele origin: germline.
Comment: This sequence change replaces leucine, which is neutral and non-polar, with arginine, which is basic and polar, at codon 428 of the GP6 protein (p.Leu428Arg). This variant is not present in population databases (gnomAD no frequency). This variant has not been reported in the literature in individuals affected with GP6-related conditions. An algorithm developed to predict the effect of missense changes on protein structure and function (PolyPhen-2) suggests that this variant is likely to be disruptive. In summary, the available evidence is currently insufficient to determine the role of this variant in disease. Therefore, it has been classified as a Variant of Uncertain Significance.

NM_016363.5(GP6):c.*259T>G

Gene: GP6 (glycoprotein VI platelet; minus strand). Cytogenetic location: 19q13.42.
Variant type: single nucleotide variant.
Coding change: c.*259T>G on transcript NM_016363.5 (MANE Select); 259 bases downstream of the stop codon, T replaced by G.
Molecular consequence: 3 prime UTR variant. On other transcripts: missense variant (1).
Genome position (GRCh38, 1-based): chr19:55,014,662, A>C on the plus strand (T>G on the coding strand, the complement: GP6 is on the minus strand). VCF-style: chr19-55014662-A-C. GRCh37 (hg19) VCF-style: chr19-55526030-A-C.
Other names: c.1283T>G, p.Leu428Arg (NM_001083899.2); c.*259T>G (NM_001256017.2); short protein forms L428R.
Identifiers: ClinVar variation 4763312 (VCV004763312.1).